The following is an entry in ClinVar:

NM_004130.4(GYG1):c.55G>T (p.Ala19Ser)

Gene: GYG1 (glycogenin 1; plus strand). Cytogenetic location: 3q24.
Variant type: single nucleotide variant.
Coding change: c.55G>T on transcript NM_004130.4 (MANE Select); coding-DNA position 55, G replaced by T.
Protein change: p.Ala19Ser; replaces alanine 19 with serine.
Molecular consequence: missense variant.
Genome position (GRCh38, 1-based): chr3:148,994,189, G>T. VCF-style: chr3-148994189-G-T. GRCh37 (hg19) VCF-style: chr3-148711976-G-T.
Other names: c.55G>T (NM_004130.3); c.55G>T, p.Ala19Ser (NM_001184720.2, NM_001184721.2); short protein forms A19S.
Identifiers: ClinVar variation 1471209 (VCV001471209.7), dbSNP rs148954947, ClinGen allele CA85546083.

ClinVar aggregate classification (germline): Uncertain significance. Review status: criteria provided, multiple submitters, no conflicts (2 of 4 stars). 2 submissions from 2 submitters: Uncertain significance (2). Last evaluated 2026-01-19.

Conditions:
Inborn genetic diseases. Identifiers: MedGen C0950123, MeSH D030342.
Polyglucosan body myopathy type 2. Identifiers: Orphanet 456369, MedGen C4015452, MONDO:0014526, OMIM 616199.
Glycogen storage disease XV (GSD15). Also called: GLYCOGENIN DEFICIENCY; GSD XV. Identifiers: Orphanet 263297, MedGen C3150754, MONDO:0013291, OMIM 613507.

Allele frequency attached by ClinVar (database versions not stated): gnomAD exomes 0.00001 and below 0.00001; ESP Exome Variant Server 0.00008.
gnomAD v4.1: 1 of 1,613,720 alleles (0.000062%); highest among the groups gnomAD compares: Non-Finnish European, 0.000085%; no homozygotes.

Submissions (2):

Labcorp Genetics (formerly Invitae), Labcorp
Classification: Uncertain significance for Polyglucosan body myopathy type 2; Glycogen storage disease XV. Last evaluated: 2026-01-19. Review status: criteria provided, single submitter. Criteria: Invitae Variant Classification Sherloc (09022015). Collection method: clinical testing. Allele origin: germline.
Comment: This sequence change replaces alanine, which is neutral and non-polar, with serine, which is neutral and polar, at codon 19 of the GYG1 protein (p.Ala19Ser). This variant is present in population databases (rs148954947, gnomAD 0.0009%). This variant has not been reported in the literature in individuals affected with GYG1-related conditions. ClinVar contains an entry for this variant (Variation ID: 1471209). Invitae Evidence Modeling of protein sequence and biophysical properties (such as structural, functional, and spatial information, amino acid conservation, physicochemical variation, residue mobility, and thermodynamic stability) indicates that this missense variant is not expected to disrupt GYG1 protein function with a negative predictive value of 80%. In summary, the available evidence is currently insufficient to determine the role of this variant in disease. Therefore, it has been classified as a Variant of Uncertain Significance.

Ambry Genetics
Classification: Uncertain significance for Inborn genetic diseases. Last evaluated: 2021-07-09. Review status: criteria provided, single submitter. Criteria: Ambry Variant Classification Scheme 2023. Collection method: clinical testing. Allele origin: germline.